The following is an entry in ClinVar:

NM_000215.4(JAK3):c.98G>A (p.Arg33Gln)

Gene: JAK3 (Janus kinase 3; minus strand). Cytogenetic location: 19p13.11.
Variant type: single nucleotide variant.
Coding change: c.98G>A on transcript NM_000215.4 (MANE Select); coding-DNA position 98, G replaced by A.
Protein change: p.Arg33Gln; replaces arginine 33 with glutamine.
Molecular consequence: missense variant.
Genome position (GRCh38, 1-based): chr19:17,844,320, C>T on the plus strand (G>A on the coding strand, the complement: JAK3 is on the minus strand). VCF-style: chr19-17844320-C-T. GRCh37 (hg19) VCF-style: chr19-17955129-C-T.
Other names: c.98G>A, p.Arg33Gln (NM_001440439.1); short protein forms R33Q.
Identifiers: ClinVar variation 4809865 (VCV004809865.1).
Genomic context (GRCh38, chr19:17,844,320, plus strand): 5'-AGGTCCTCAGCCAAGTGGTCCCCAAAGGAGAAAGATAGGCGCTGGGGGGGCCCGGGGCCC[C>T]GAGCGGGCAGCAGCACATGCAGGGCACCAGCCTCCGTGGACAAGAGGCTGCATGAACGCT-3'
Protein context (NP_000206.2, residues 23-43): AGALHVLLPA[Arg33Gln]GPGPPQRLSF

ClinVar aggregate classification (germline): Uncertain significance (1 of 4 stars; one submission).

Conditions:
T-B+ severe combined immunodeficiency due to JAK3 deficiency. Also called: SCID, T CELL-NEGATIVE, B CELL-POSITIVE, NK CELL-NEGATIVE; SCID, autosomal recessive, T-negative/B-positive type. Identifiers: Orphanet 35078, MedGen C1833275, MONDO:0010938, OMIM 600802.

gnomAD v4.1: 17 of 1,609,614 alleles (0.0011%); highest among the groups gnomAD compares: Non-Finnish European, 0.0014%; no homozygotes.

Submission:

Labcorp Genetics (formerly Invitae), Labcorp
Classification: Uncertain significance for T-B+ severe combined immunodeficiency due to JAK3 deficiency. Last evaluated: 2025-12-08. Review status: criteria provided, single submitter. Criteria: Invitae Variant Classification Sherloc (09022015). Collection method: clinical testing. Allele origin: germline.
Comment: This sequence change replaces arginine, which is basic and polar, with glutamine, which is neutral and polar, at codon 33 of the JAK3 protein (p.Arg33Gln). The frequency data for this variant in the population databases is considered unreliable, as metrics indicate poor data quality at this position in the gnomAD database. This variant has not been reported in the literature in individuals affected with JAK3-related conditions. Invitae Evidence Modeling of protein sequence and biophysical properties (such as structural, functional, and spatial information, amino acid conservation, physicochemical variation, residue mobility, and thermodynamic stability) indicates that this missense variant is not expected to disrupt JAK3 protein function with a negative predictive value of 95%. In summary, the available evidence is currently insufficient to determine the role of this variant in disease. Therefore, it has been classified as a Variant of Uncertain Significance.